The following is an entry in ClinVar:

ClinVar aggregate classification (germline): Uncertain significance (1 of 4 stars; one submission).

Submission:

Ambry Genetics
Classification: Uncertain significance. Last evaluated: 2024-12-28. Review status: criteria provided, single submitter. Criteria: Ambry Variant Classification Scheme 2023. Collection method: clinical testing. Allele origin: germline.
Comment: The p.A1029V variant (also known as c.3086C>T), located in coding exon 11 of the CDK12 gene, results from a C to T substitution at nucleotide position 3086. The alanine at codon 1029 is replaced by valine, an amino acid with similar properties. This amino acid position is conserved. In addition, this alteration is predicted to be tolerated by in silico analysis. Based on the available evidence, the clinical significance of this variant remains unclear.

NM_016507.4(CDK12):c.3086C>T (p.Ala1029Val)

Gene: CDK12 (cyclin dependent kinase 12; plus strand). Cytogenetic location: 17q12.
Variant type: single nucleotide variant.
Coding change: c.3086C>T on transcript NM_016507.4 (MANE Select); coding-DNA position 3086, C replaced by T.
Protein change: p.Ala1029Val; replaces alanine 1029 with valine.
Molecular consequence: missense variant.
Genome position (GRCh38, 1-based): chr17:39,520,078, C>T. VCF-style: chr17-39520078-C-T. GRCh37 (hg19) VCF-style: chr17-37676331-C-T.
Other names: c.3086C>T, p.Ala1029Val (NM_015083.4); short protein forms A1029V.
Identifiers: ClinVar variation 3830413 (VCV003830413.1).